The following is an entry in ClinVar:

NM_001386298.1(CIC):c.7363G>T (p.Ala2455Ser)

Gene: CIC (capicua transcriptional repressor; plus strand). Cytogenetic location: 19q13.2.
Variant type: single nucleotide variant.
Coding change: c.7363G>T on transcript NM_001386298.1 (MANE Select); coding-DNA position 7363, G replaced by T.
Protein change: p.Ala2455Ser; replaces alanine 2455 with serine.
Molecular consequence: missense variant.
Genome position (GRCh38, 1-based): chr19:42,295,000, G>T. VCF-style: chr19-42295000-G-T. GRCh37 (hg19) VCF-style: chr19-42799152-G-T.
Other names: c.7363G>T, p.Ala2455Ser (NM_001304815.2); c.7360G>T, p.Ala2454Ser (NM_001379480.1, NM_001379482.1); c.4630G>T, p.Ala1544Ser (NM_001379484.1); c.4627G>T, p.Ala1543Ser (NM_001379485.1); c.4636G>T, p.Ala1546Ser (NM_015125.5); short protein forms A1543S, A1544S, A1546S, A2455S, A2454S.
Identifiers: ClinVar variation 930274 (VCV000930274.3), dbSNP rs1351480082, ClinGen allele CA406125156.

ClinVar aggregate classification (germline): Uncertain significance (1 of 4 stars; one submission).

Conditions:
Intellectual developmental disorder, autosomal dominant 45. Also called: MENTAL RETARDATION, AUTOSOMAL DOMINANT 45; Intellectual disability, autosomal dominant 45. Identifiers: MedGen C4539848, MONDO:0030910, OMIM 617600.

Allele frequency attached by ClinVar (database versions not stated): gnomAD exomes below 0.00001; TOPMed 0.00001.

Submission:

Centre for Mendelian Genomics, University Medical Centre Ljubljana
Classification: Uncertain significance for Intellectual developmental disorder, autosomal dominant 45. Last evaluated: 2018-12-06. Review status: criteria provided, single submitter. Criteria: ACMG Guidelines, 2015. Collection method: clinical testing. Allele origin: unknown. Affected: yes.
Comment: This variant was classified as: Uncertain significance. The available evidence on this variant's pathogenicity is insufficient or conflicting. The following ACMG criteria were applied in classifying this variant: PM2,BP4.